The following is an entry in ClinVar:

NM_205768.3(ZBTB18):c.119G>T (p.Gly40Val)

Gene: ZBTB18 (zinc finger and BTB domain containing 18; plus strand). Cytogenetic location: 1q44.
Variant type: single nucleotide variant.
Coding change: c.119G>T on transcript NM_205768.3 (MANE Select); coding-DNA position 119, G replaced by T.
Protein change: p.Gly40Val; replaces glycine 40 with valine.
Molecular consequence: missense variant.
Genome position (GRCh38, 1-based): chr1:244,053,893, G>T. VCF-style: chr1-244053893-G-T. GRCh37 (hg19) VCF-style: chr1-244217195-G-T.
Other names: c.92G>T, p.Gly31Val (NM_001278196.2, NM_006352.5); c.119G>T, p.Gly40Val (NM_001421566.1); short protein forms G31V, G40V.
Identifiers: ClinVar variation 3893458 (VCV003893458.1).

ClinVar aggregate classification (germline): Uncertain significance (1 of 4 stars; one submission).

Submission:

GeneDx
Classification: Uncertain significance. Last evaluated: 2024-10-22. Review status: criteria provided, single submitter. Criteria: GeneDx Variant Classification Process June 2021. Collection method: clinical testing. Allele origin: germline. Affected: yes.
Comment: Not observed at significant frequency in large population cohorts (gnomAD); In silico analysis supports that this missense variant has a deleterious effect on protein structure/function; Has not been previously published as pathogenic or benign to our knowledge